The following is an entry in ClinVar:

NM_001953.5(TYMP):c.854T>C (p.Leu285Pro)

Gene: TYMP (thymidine phosphorylase; minus strand). Cytogenetic location: 22q13.33.
Variant type: single nucleotide variant.
Coding change: c.854T>C on transcript NM_001953.5 (MANE Select); coding-DNA position 854, T replaced by C.
Protein change: p.Leu285Pro; replaces leucine 285 with proline.
Molecular consequence: missense variant.
Genome position (GRCh38, 1-based): chr22:50,526,650, A>G on the plus strand (T>C on the coding strand, the complement: TYMP is on the minus strand). VCF-style: chr22-50526650-A-G. GRCh37 (hg19) VCF-style: chr22-50965079-A-G.
Other names: Leu>Pro; c.854T>C (NM_001953.4); c.854T>C, p.Leu285Pro (LRG_727t2, LRG_727t1, NM_001113755.3 and 3 more transcripts); short protein forms L285P.
Identifiers: ClinVar variation 16666 (VCV000016666.10), dbSNP rs121913042, ClinGen allele CA126803.
Genomic context (GRCh38, chr22:50,526,650, plus strand): 5'-AGGTCCCTTAAGTCTGGCGGGCCTGCGCCGTCCATGCAGAGCAGCGCCTCCTCCACCTCC[A>G]GGGCGTGGCCCACGCAGCGACCCAGGGGCTTGTCCATGGCGGTCAGCGCTGCCGCGACCC-3'
Protein context (NP_001944.1, residues 275-295): KPLGRCVGHA[Leu285Pro]EVEEALLCMD

ClinVar aggregate classification (germline): Conflicting classifications of pathogenicity. Review status: criteria provided, conflicting classifications (1 of 4 stars). 6 submissions from 6 submitters: Pathogenic (1); Likely pathogenic (2); Uncertain significance (1). 2 of the submissions do not count toward it. Last evaluated 2025-12-09.

Conditions:
Mitochondrial neurogastrointestinal encephalomyopathy. Also called: Mitochondrial neurogastrointestinal encephalopathy syndrome; MNGIE syndrome; Thymidine phosphorylase deficiency. Identifiers: Orphanet 298, MedGen C0872218, MONDO:0017575.
Mitochondrial DNA depletion syndrome 1. Also called: POLIP SYNDROME; POLYNEUROPATHY, OPHTHALMOPLEGIA, LEUKOENCEPHALOPATHY, AND INTESTINAL PSEUDOOBSTRUCTION; Mitochondrial neurogastrointestinal encephalomyopathy syndrome; Mitochondrial DNA depletion syndrome 1 (MNGIE type); Mitochondrial Neurogastrointestinal Encephalopathy Disease; MITOCHONDRIAL NEUROGASTROINTESTINAL ENCEPHALOPATHY SYNDROME, TYMP-RELATED. Identifiers: Orphanet 298, MedGen C4551995, MONDO:0011283, OMIM 603041.

Allele frequency attached by ClinVar (database versions not stated): gnomAD 0.00001; TOPMed 0.00001.
gnomAD v4.1: 7 of 1,563,966 alleles (0.00045%); highest among the groups gnomAD compares: Non-Finnish European, 0.00061%; no homozygotes.

Submissions (6):

Labcorp Genetics (formerly Invitae), Labcorp
Classification: Pathogenic. Last evaluated: 2025-12-09. Review status: criteria provided, single submitter. Criteria: Invitae Variant Classification Sherloc (09022015). Collection method: clinical testing. Allele origin: germline.
Comment: This sequence change replaces leucine, which is neutral and non-polar, with proline, which is neutral and non-polar, at codon 285 of the TYMP protein (p.Leu285Pro). This variant is present in population databases (rs121913042, gnomAD 0.007%). This missense change has been observed in individual(s) with mitochondrial neurogastrointestinal encephalomyopathy (PMID: 16178026, 16971696). ClinVar contains an entry for this variant (Variation ID: 16666). Invitae Evidence Modeling of protein sequence and biophysical properties (such as structural, functional, and spatial information, amino acid conservation, physicochemical variation, residue mobility, and thermodynamic stability) has been performed for this missense variant. However, the output from this modeling did not meet the statistical confidence thresholds required to predict the impact of this variant on TYMP protein function. For these reasons, this variant has been classified as Pathogenic.

Women's Health and Genetics/Laboratory Corporation of America, LabCorp
Classification: Uncertain significance. Last evaluated: 2025-07-03. Review status: criteria provided, single submitter. Criteria: LabCorp Variant Classification Summary - May 2015. Collection method: clinical testing. Allele origin: germline.
Comment: Variant summary: TYMP c.854T>C (p.Leu285Pro) results in a non-conservative amino acid change located in the glycosyl transferase, family 3 domain (IPR000312) of the encoded protein sequence. Algorithms developed to predict the effect of missense changes on protein structure and function all suggest that this variant is likely to be disruptive. The variant was absent in 159696 control chromosomes. c.854T>C has been observed in at least one compound heterozygous and one homozygous individual affected with Mitochondrial DNA Depletion Syndrome 1 (MNGIE type) (e.g. Garone_2011, Hirano_2006, Marti_2005, Redha_2024). These data indicate that the variant may be associated with disease. To our knowledge, no experimental evidence demonstrating an impact on protein function has been reported. The following publications have been ascertained in the context of this evaluation (PMID: 21933806, 16971696, 16178026, 38550250). ClinVar contains an entry for this variant (Variation ID: 16666). Based on the evidence outlined above, the variant was classified as VUS-possibly pathogenic.

Natera, Inc.
Classification: Likely pathogenic for Mitochondrial neurogastrointestinal encephalomyopathy. Last evaluated: 2024-07-05. Review status: criteria provided, single submitter. Criteria: Natera Variant Classification Schema (03/2026). Collection method: clinical testing. Allele origin: germline.
Comment: The c.854T>C variant in TYMP is a missense variant predicted to cause substitution of leucine to proline at amino acid 285. This variant is rare in the general population with a frequency below the threshold expected for the associated phenotype(s). This variant has been observed in one or more individuals affected with the associated recessive disease, as either homozygous or compound heterozygous with a second variant (PMID: 16971696, 16178026). This variant has been identified in one or more affected individual with a phenotype highly consistent with the associated gene (PMID: 16971696, 16178026). Computational prediction algorithms indicate this variant is likely to affect gene or protein function. Given the available evidence, this variant is classified as Likely Pathogenic.

Baylor Genetics
Classification: Likely pathogenic for Mitochondrial DNA depletion syndrome 1. Last evaluated: 2023-12-09. Review status: criteria provided, single submitter. Criteria: ACMG Guidelines, 2015. Collection method: clinical testing. Allele origin: unknown.

GeneReviews
Classification: Pathogenic for Mitochondrial DNA depletion syndrome 1. Last evaluated: 2016-01-14. Review status: no assertion criteria provided. Collection method: literature only. Allele origin: germline. Affected: yes. Not counted in ClinVar's aggregate classification.

OMIM
Classification: Pathogenic for MITOCHONDRIAL DNA DEPLETION SYNDROME 1 (MNGIE TYPE). Last evaluated: 2005-10-01. Review status: no assertion criteria provided. Collection method: literature only. Allele origin: germline. Not counted in ClinVar's aggregate classification.

Literature cited by the submitters: PubMed 16178026 (cited by 5 submitters); PubMed 16971696 (cited by 3 submitters); PubMed 21933806 (cited by Women's Health and Genetics/Laboratory Corporation of America, LabCorp); PubMed 38550250 (cited by Women's Health and Genetics/Laboratory Corporation of America, LabCorp).